The following is an entry in ClinVar:

ClinVar aggregate classification (germline): Uncertain significance (1 of 4 stars; one submission).

Conditions:
Pyogenic arthritis-pyoderma gangrenosum-acne syndrome (PAPA). Also called: FAMILIAL RECURRENT ARTHRITIS; PAPA SYNDROME. Identifiers: Orphanet 69126, MedGen C1858361, MONDO:0011462, OMIM 604416.

Allele frequency attached by ClinVar (database versions not stated): gnomAD 0.00001.
gnomAD v4.1: 1 of 1,612,554 alleles (0.000062%); highest among the groups gnomAD compares: Non-Finnish European, 0.000085%; no homozygotes.

Submission:

Labcorp Genetics (formerly Invitae), Labcorp
Classification: Uncertain significance for Pyogenic arthritis-pyoderma gangrenosum-acne syndrome. Last evaluated: 2017-12-26. Review status: criteria provided, single submitter. Criteria: Invitae Variant Classification Sherloc (09022015). Collection method: clinical testing. Allele origin: germline.
Comment: This sequence change replaces aspartic acid with glycine at codon 266 of the PSTPIP1 protein (p.Asp266Gly). The aspartic acid residue is moderately conserved and there is a moderate physicochemical difference between aspartic acid and glycine. This variant is not present in population databases (ExAC no frequency). This variant has not been reported in the literature in individuals with PSTPIP1-related disease. Algorithms developed to predict the effect of missense changes on protein structure and function do not agree on the potential impact of this missense change (SIFT: "Tolerated"; PolyPhen-2: "Benign"; Align-GVGD: "Class C35"). In summary, the available evidence is currently insufficient to determine the role of this variant in disease. Therefore, it has been classified as a Variant of Uncertain Significance.

NM_003978.5(PSTPIP1):c.797A>G (p.Asp266Gly)

Gene: PSTPIP1 (proline-serine-threonine phosphatase interacting protein 1; plus strand). Cytogenetic location: 15q24.3.
Variant type: single nucleotide variant.
Coding change: c.797A>G on transcript NM_003978.5 (MANE Select); coding-DNA position 797, A replaced by G.
Protein change: p.Asp266Gly; replaces aspartic acid 266 with glycine.
Molecular consequence: missense variant.
Genome position (GRCh38, 1-based): chr15:77,032,353, A>G. VCF-style: chr15-77032353-A-G. GRCh37 (hg19) VCF-style: chr15-77324694-A-G.
Other names: c.797A>G (LRG_172t1); c.797A>G, p.Asp266Gly (NM_001321135.2); c.770A>G, p.Asp257Gly (NM_001321136.2); c.992A>G, p.Asp331Gly (NM_001321137.1); short protein forms D266G, D331G, D257G.
Identifiers: ClinVar variation 534749 (VCV000534749.8), dbSNP rs1333618864, ClinGen allele CA393521151.